The following is an entry in ClinVar:

ClinVar aggregate classification (germline): Likely pathogenic (1 of 4 stars; one submission).

Conditions:
Charcot-Marie-Tooth disease type 4. Also called: Charcot-Marie-Tooth disease, type IV; Charcot-Marie-Tooth, Type 4. Identifiers: Orphanet 64749, MedGen C4082197, MONDO:0018995.

Submission:

Labcorp Genetics (formerly Invitae), Labcorp
Classification: Likely pathogenic for Charcot-Marie-Tooth disease type 4. Last evaluated: 2021-02-12. Review status: criteria provided, single submitter. Criteria: Invitae Variant Classification Sherloc (09022015). Collection method: clinical testing. Allele origin: germline.
Comment: This variant has not been reported in the literature in individuals with PRX-related conditions. In summary, the currently available evidence indicates that the variant is pathogenic, but additional data are needed to prove that conclusively. Therefore, this variant has been classified as Likely Pathogenic. Algorithms developed to predict the effect of sequence changes on RNA splicing suggest that this variant may disrupt the consensus splice site, but this prediction has not been confirmed by published transcriptional studies. The frequency data for this variant in the population databases is considered unreliable, as metrics indicate insufficient coverage at this position in the ExAC database. This sequence change affects a donor splice site in intron 5 of the PRX gene. It is expected to disrupt RNA splicing. Variants that disrupt the donor or acceptor splice site typically lead to a loss of protein function (PMID: 16199547), and loss-of-function variants in PRX are known to be pathogenic (PMID: 11133365).

Literature cited by the submitters: PubMed 16199547; PubMed 11133365.

NM_181882.3(PRX):c.184+2T>A

Gene: PRX (periaxin; minus strand). Cytogenetic location: 19q13.2.
Variant type: single nucleotide variant.
Coding change: c.184+2T>A on transcript NM_181882.3 (MANE Select); the canonical splice donor site of the intron after coding-DNA position 184, T replaced by A.
Molecular consequence: splice donor variant.
Genome position (GRCh38, 1-based): chr19:40,403,704, A>T on the plus strand (T>A on the coding strand, the complement: PRX is on the minus strand). VCF-style: chr19-40403704-A-T. GRCh37 (hg19) VCF-style: chr19-40909611-A-T.
Other names: c.184+2T>A (NM_020956.2); c.469+2T>A (NM_001411127.1).
Identifiers: ClinVar variation 1524069 (VCV001524069.8), dbSNP rs2079511684, ClinGen allele CA405901696.